The following is an entry in ClinVar:

ClinVar aggregate classification (germline): Likely benign (0 of 4 stars; one submission).

Conditions:
STT3A-related disorder. Also called: STT3A-related condition.

Submission:

PreventionGenetics, part of Exact Sciences
Classification: Likely benign for STT3A-related condition. Last evaluated: 2019-12-09. Review status: no assertion criteria provided. Collection method: clinical testing. Allele origin: germline.
Comment: This variant is classified as likely benign based on ACMG/AMP sequence variant interpretation guidelines (Richards et al. 2015 PMID: 25741868, with internal and published modifications).

NM_152713.5(STT3A):c.672C>T (p.Leu224=)

Gene: STT3A (STT3 oligosaccharyltransferase complex catalytic subunit A; plus strand). Cytogenetic location: 11q24.2.
Variant type: single nucleotide variant.
Coding change: c.672C>T on transcript NM_152713.5 (MANE Select); coding-DNA position 672, C replaced by T.
Protein change: p.Leu224=; no amino-acid change (leucine 224 retained).
Molecular consequence: synonymous variant.
Genome position (GRCh38, 1-based): chr11:125,606,357, C>T. VCF-style: chr11-125606357-C-T. GRCh37 (hg19) VCF-style: chr11-125476252-C-T.
Other names: c.672C>T, p.Leu224= (NM_001278503.2); c.396C>T, p.Leu132= (NM_001278504.2).
Identifiers: ClinVar variation 3049142 (VCV003049142.2), dbSNP rs34964592, ClinGen allele CA6348902.